The following is an entry in ClinVar:

NM_000440.3(PDE6A):c.2005A>G (p.Thr669Ala)

Gene: PDE6A (phosphodiesterase 6A; minus strand). Cytogenetic location: 5q32.
Variant type: single nucleotide variant.
Coding change: c.2005A>G on transcript NM_000440.3 (MANE Select); coding-DNA position 2005, A replaced by G.
Protein change: p.Thr669Ala; replaces threonine 669 with alanine.
Molecular consequence: missense variant.
Genome position (GRCh38, 1-based): chr5:149,884,501, T>C on the plus strand (A>G on the coding strand, the complement: PDE6A is on the minus strand). VCF-style: chr5-149884501-T-C. GRCh37 (hg19) VCF-style: chr5-149264064-T-C.
Other names: short protein forms T669A.
Identifiers: ClinVar variation 1026022 (VCV001026022.5), dbSNP rs142369291, ClinGen allele CA3504444.

ClinVar aggregate classification (germline): Uncertain significance (1 of 4 stars; one submission).

Allele frequency attached by ClinVar (database versions not stated): gnomAD exomes below 0.00001 and 0.00001; ExAC 0.00002; gnomAD 0.00006 and 0.00009; TOPMed 0.00006; ESP Exome Variant Server 0.00008.
gnomAD v4.1: 16 of 1,613,136 alleles (0.00099%); highest among the groups gnomAD compares: African/African-American, 0.02%; no homozygotes.

Submission:

Labcorp Genetics (formerly Invitae), Labcorp
Classification: Uncertain significance. Last evaluated: 2022-08-16. Review status: criteria provided, single submitter. Criteria: Invitae Variant Classification Sherloc (09022015). Collection method: clinical testing. Allele origin: germline.
Comment: This sequence change replaces threonine, which is neutral and polar, with alanine, which is neutral and non-polar, at codon 669 of the PDE6A protein (p.Thr669Ala). In summary, the available evidence is currently insufficient to determine the role of this variant in disease. Therefore, it has been classified as a Variant of Uncertain Significance. Algorithms developed to predict the effect of missense changes on protein structure and function (SIFT, PolyPhen-2, Align-GVGD) all suggest that this variant is likely to be disruptive. ClinVar contains an entry for this variant (Variation ID: 1026022). This variant has not been reported in the literature in individuals affected with PDE6A-related conditions. This variant is present in population databases (rs142369291, gnomAD 0.07%).